The following is an entry in ClinVar:

NM_001191061.2(SLC25A22):c.*841A>T

Gene: SLC25A22 (solute carrier family 25 member 22; minus strand). Cytogenetic location: 11p15.5.
Variant type: single nucleotide variant.
Coding change: c.*841A>T on transcript NM_001191061.2 (MANE Select); 841 bases downstream of the stop codon, A replaced by T.
Molecular consequence: 3 prime UTR variant.
Genome position (GRCh38, 1-based): chr11:791,074, T>A on the plus strand (A>T on the coding strand, the complement: SLC25A22 is on the minus strand). VCF-style: chr11-791074-T-A. GRCh37 (hg19) VCF-style: chr11-791074-T-A.
Other names: c.*841A>T (NM_001191060.2, NM_024698.6).
Identifiers: ClinVar variation 306241 (VCV000306241.5), dbSNP rs116673603, ClinGen allele CA10640299.
Genomic context (GRCh38, chr11:791,074, plus strand): 5'-TGCTCCCTGGCCAATCCCAGGCCAGGGTGGAGGACTCAGGAGAGACCAAGCTGGGTAAGT[T>A]AGTTCCTGGACGGGGTCAACAGAGCCTGGGGCACACACAGCACACAGAGCGCCTGGCCAC-3'

ClinVar aggregate classification (germline): Benign (1 of 4 stars; one submission).

Conditions:
Early Myoclonic Encephalopathy. Identifiers: MedGen C0270855.

Allele frequency attached by ClinVar (database versions not stated): gnomAD 0.00753 and 0.00811; 1000 Genomes Project 30x 0.00953; TOPMed 0.00845; 1000 Genomes Project 0.00919.

Submission:

Illumina Laboratory Services, Illumina
Classification: Benign for Developmental and epileptic encephalopathy, 3. Last evaluated: 2018-01-13. Review status: criteria provided, single submitter. Criteria: ICSL Variant Classification Criteria 13 December 2019. Collection method: clinical testing. Allele origin: germline.
Comment: This variant was observed in the ICSL laboratory as part of a predisposition screen in an ostensibly healthy population. It had not been previously curated by ICSL or reported in the Human Gene Mutation Database (HGMD: prior to June 1st, 2018), and was therefore a candidate for classification through an automated scoring system. Utilizing variant allele frequency, disease prevalence and penetrance estimates, and inheritance mode, an automated score was calculated to assess if this variant is too frequent to cause the disease. Based on the score and internal cut-off values, a variant classified as benign is not then subjected to further curation. The score for this variant resulted in a classification of benign for this disease.